The following is an entry in ClinVar:

ClinVar aggregate classification (germline): Conflicting classifications of pathogenicity. Review status: criteria provided, conflicting classifications (1 of 4 stars). 3 submissions from 3 submitters: Uncertain significance (2); Likely benign (1). Last evaluated 2025-12-22.

Conditions:
POLD1-related polyposis and colorectal cancer syndrome (CRCS10). Also called: Colorectal cancer, susceptibility to, 10; Colorectal cancer 10; COLORECTAL CANCER, SUSCEPTIBILITY TO, ON CHROMOSOME 19q. Identifiers: Orphanet 220460, MedGen C2675481, MONDO:0012953, OMIM 612591.
Hereditary cancer-predisposing syndrome. Also called: Hereditary Cancer Syndrome; Hereditary neoplastic syndrome; Neoplastic Syndromes, Hereditary; Tumor predisposition. Identifiers: Orphanet 140162, MedGen C0027672, MeSH D009386, MONDO:0015356.

Allele frequency attached by ClinVar (database versions not stated): gnomAD exomes 0.00001.

Submissions (3):

Labcorp Genetics (formerly Invitae), Labcorp
Classification: Likely benign for POLD1-related polyposis and colorectal cancer syndrome. Last evaluated: 2025-12-22. Review status: criteria provided, single submitter. Criteria: Invitae Variant Classification Sherloc (09022015). Collection method: clinical testing. Allele origin: germline.

Ambry Genetics
Classification: Uncertain significance for Hereditary cancer-predisposing syndrome. Last evaluated: 2024-12-31. Review status: criteria provided, single submitter. Criteria: Ambry Variant Classification Scheme 2023. Collection method: clinical testing. Allele origin: germline.
Comment: The c.840+3G>T intronic variant results from a G to T substitution 3 nucleotides after coding exon 6 in the POLD1 gene. This nucleotide position is not well conserved in available vertebrate species. In silico splice site analysis for this alteration is inconclusive. Based on the available evidence, the clinical significance of this variant remains unclear.

GeneDx
Classification: Uncertain significance. Last evaluated: 2019-10-21. Review status: criteria provided, single submitter. Criteria: GeneDx Variant Classification Process June 2021. Collection method: clinical testing. Allele origin: germline. Affected: yes.
Comment: Not observed in large population cohorts (Lek 2016); In silico analysis, which includes splice predictors and evolutionary conservation, supports a deleterious effect; Has not been previously published as pathogenic or benign to our knowledge

NM_002691.4(POLD1):c.840+3G>T

Gene: POLD1 (DNA polymerase delta 1, catalytic subunit; plus strand). Cytogenetic location: 19q13.33.
Variant type: single nucleotide variant.
Coding change: c.840+3G>T on transcript NM_002691.4 (MANE Select); 3 bases into the intron after coding-DNA position 840, G replaced by T.
Molecular consequence: intron variant.
Genome position (GRCh38, 1-based): chr19:50,402,538, G>T. VCF-style: chr19-50402538-G-T. GRCh37 (hg19) VCF-style: chr19-50905795-G-T.
Other names: c.840+3G>T (NM_001256849.1, NM_001308632.1).
Identifiers: ClinVar variation 822387 (VCV000822387.14), dbSNP rs1601202006, ClinGen allele CA915951924.